The following is an entry in ClinVar:

ClinVar aggregate classification (germline): Uncertain significance (1 of 4 stars; one submission).

gnomAD v4.1: 5 of 1,605,960 alleles (0.00031%); highest among the groups gnomAD compares: South Asian, 0.0033%; no homozygotes.

Submission:

GeneDx
Classification: Uncertain significance. Last evaluated: 2024-03-11. Review status: criteria provided, single submitter. Criteria: GeneDx Variant Classification Process June 2021. Collection method: clinical testing. Allele origin: germline. Affected: yes.
Comment: Not observed at significant frequency in large population cohorts (gnomAD); In silico analysis supports that this missense variant does not alter protein structure/function; Has not been previously published as pathogenic or benign to our knowledge

NM_021956.5(GRIK2):c.1226G>C (p.Ser409Thr)

Gene: GRIK2 (glutamate ionotropic receptor kainate type subunit 2; plus strand). Cytogenetic location: 6q16.3.
Variant type: single nucleotide variant.
Coding change: c.1226G>C on transcript NM_021956.5 (MANE Select); coding-DNA position 1226, G replaced by C.
Protein change: p.Ser409Thr; replaces serine 409 with threonine.
Molecular consequence: missense variant.
Genome position (GRCh38, 1-based): chr6:101,818,392, G>C. VCF-style: chr6-101818392-G-C. GRCh37 (hg19) VCF-style: chr6-102266267-G-C.
Other names: c.1226G>C, p.Ser409Thr (NM_001166247.1, NM_175768.3); short protein forms S409T.
Identifiers: ClinVar variation 3370537 (VCV003370537.1).